The following is an entry in ClinVar:

ClinVar aggregate classification (germline): Uncertain significance. Review status: criteria provided, multiple submitters, no conflicts (2 of 4 stars). 6 submissions from 6 submitters: Uncertain significance (6). Last evaluated 2024-04-07.

Conditions:
SZT2-related disorder. Also called: SZT2-related condition.
Inborn genetic diseases. Identifiers: MedGen C0950123, MeSH D030342.
Developmental and epileptic encephalopathy, 18 (DEE18). Also called: Early infantile epileptic encephalopathy 18. Identifiers: Orphanet 369894, MedGen C3809624, MONDO:0014201, OMIM 615476.

Allele frequency attached by ClinVar (database versions not stated): TOPMed 0.00002; gnomAD 0.00003; gnomAD exomes 0.00006; ExAC 0.00008; ESP Exome Variant Server 0.00015.
gnomAD v4.1: 92 of 1,604,778 alleles (0.0057%); highest among the groups gnomAD compares: Non-Finnish European, 0.0066%; 1 homozygote.

Submissions (6):

GeneDx
Classification: Uncertain significance. Last evaluated: 2024-04-07. Review status: criteria provided, single submitter. Criteria: GeneDx Variant Classification Process June 2021. Collection method: clinical testing. Allele origin: germline. Affected: yes.
Comment: In silico analysis indicates that this missense variant does not alter protein structure/function; Has not been previously published as pathogenic or benign to our knowledge

PreventionGenetics, part of Exact Sciences
Classification: Uncertain significance for SZT2-related condition. Last evaluated: 2023-04-24. Review status: criteria provided, single submitter. Criteria: ACMG Guidelines, 2015. Collection method: clinical testing. Allele origin: germline.
Comment: The SZT2 c.5159G>A variant is predicted to result in the amino acid substitution p.Gly1720Asp. To our knowledge, this variant has not been reported in the literature. This variant is reported in 0.016% of alleles in individuals of European (Finnish) descent in gnomAD. At this time, the clinical significance of this variant is uncertain due to the absence of conclusive functional and genetic evidence.

Genome-Nilou Lab
Classification: Uncertain significance for Developmental and epileptic encephalopathy, 18. Last evaluated: 2023-04-11. Review status: criteria provided, single submitter. Criteria: ACMG Guidelines, 2015. Collection method: clinical testing. Allele origin: germline. Affected: no.

Labcorp Genetics (formerly Invitae), Labcorp
Classification: Uncertain significance. Last evaluated: 2022-02-25. Review status: criteria provided, single submitter. Criteria: Invitae Variant Classification Sherloc (09022015). Collection method: clinical testing. Allele origin: germline.
Comment: This sequence change replaces glycine, which is neutral and non-polar, with aspartic acid, which is acidic and polar, at codon 1720 of the SZT2 protein (p.Gly1720Asp). This variant is present in population databases (rs370796220, gnomAD 0.01%). This variant has not been reported in the literature in individuals affected with SZT2-related conditions. ClinVar contains an entry for this variant (Variation ID: 640354). Algorithms developed to predict the effect of missense changes on protein structure and function (SIFT, PolyPhen-2, Align-GVGD) all suggest that this variant is likely to be disruptive. In summary, the available evidence is currently insufficient to determine the role of this variant in disease. Therefore, it has been classified as a Variant of Uncertain Significance.

Blueprint Genetics
Classification: Uncertain significance. Last evaluated: 2021-07-22. Review status: criteria provided, single submitter. Criteria: ACMG Guidelines, 2015. Collection method: clinical testing. Allele origin: germline.

Ambry Genetics
Classification: Uncertain significance for Inborn genetic diseases. Last evaluated: 2019-07-11. Review status: criteria provided, single submitter. Criteria: Ambry Variant Classification Scheme 2023. Collection method: clinical testing. Allele origin: germline.
Comment: The p.G1720D variant (also known as c.5159G>A), located in coding exon 36 of the SZT2 gene, results from a G to A substitution at nucleotide position 5159. The glycine at codon 1720 is replaced by aspartic acid, an amino acid with similar properties. This amino acid position is well conserved in available vertebrate species. In addition, the in silico prediction by BayesDel for this alteration is inconclusive. Since supporting evidence is limited at this time, the clinical significance of this alteration remains unclear.

NM_001365999.1(SZT2):c.5330G>A (p.Gly1777Asp)

Gene: SZT2 (SZT2 subunit of KICSTOR complex; plus strand). Cytogenetic location: 1p34.2.
Variant type: single nucleotide variant.
Coding change: c.5330G>A on transcript NM_001365999.1 (MANE Select); coding-DNA position 5330, G replaced by A.
Protein change: p.Gly1777Asp; replaces glycine 1777 with aspartic acid.
Molecular consequence: missense variant.
Genome position (GRCh38, 1-based): chr1:43,432,327, G>A. VCF-style: chr1-43432327-G-A. GRCh37 (hg19) VCF-style: chr1-43897998-G-A.
Other names: c.5159G>A, p.Gly1720Asp (NM_015284.4); short protein forms G1777D, G1720D.
Identifiers: ClinVar variation 640354 (VCV000640354.15), dbSNP rs370796220, ClinGen allele CA809544.